The following is an entry in ClinVar:

ClinVar aggregate classification (germline): Likely benign (1 of 4 stars; one submission).

Submission:

GeneDx
Classification: Likely benign. Last evaluated: 2021-09-11. Review status: criteria provided, single submitter. Criteria: GeneDx Variant Classification Process June 2021. Collection method: clinical testing. Allele origin: germline. Affected: yes.
Comment: See Variant Classification Assertion Criteria.

NM_001776.6(ENTPD1):c.413+210dup

Genes: ENTPD1 (ectonucleoside triphosphate diphosphohydrolase 1; plus strand), ENTPD1-AS1 (ENTPD1 antisense RNA 1; minus strand). Cytogenetic location: 10q24.1.
Variant type: Duplication.
Coding change: c.413+210dup on transcript NM_001776.6 (MANE Select); 210 bases into the intron after coding-DNA position 413, one base duplicated (A; older notation c.413+210dupA).
Molecular consequence: intron variant.
Genome position (GRCh38, 1-based): chr10:95,842,704, A duplicated; the last of 10 consecutive A bases (chr10:95,842,695-95,842,704); duplicating any one gives the same sequence. VCF-style (leftmost placement, unchanged base first): chr10-95842694-T-TA. GRCh37 (hg19) VCF-style: chr10-97602451-T-TA.
Other names: c.434+210dup (NM_001098175.2); c.89+210dup (NM_001312654.1, NM_001164181.1); c.449+210dup (NM_001164178.1, NM_001320916.1); c.413+210dup (NM_001164179.2); c.-1-1772dup (NM_001164182.2, NM_001164183.2).
Identifiers: ClinVar variation 1800605 (VCV001800605.1), dbSNP rs113144749, ClinGen allele CA212154492.